The following is an entry in ClinVar:

ClinVar aggregate classification (germline): Benign/Likely benign. Review status: criteria provided, multiple submitters, no conflicts (2 of 4 stars). 3 submissions from 3 submitters: Benign (1); Likely benign (1). 1 of the submissions does not count toward it. Last evaluated 2023-02-14.

Conditions:
Pendred syndrome (PDS). Also called: THYROID DYSHORMONOGENESIS 2B; THYROID HORMONOGENESIS, GENETIC DEFECT IN, 2B; Pendred Syndrome (PDS); DEAFNESS WITH GOITER; GOITER-DEAFNESS SYNDROME; HYPOTHYROIDISM, CONGENITAL, DUE TO DYSHORMONOGENESIS, 2B. Identifiers: Orphanet 705, MedGen C0271829, MONDO:0010134, OMIM 274600.

Submissions (3):

Labcorp Genetics (formerly Invitae), Labcorp
Classification: Benign. Last evaluated: 2023-02-14. Review status: criteria provided, single submitter. Criteria: Invitae Variant Classification Sherloc (09022015). Collection method: clinical testing. Allele origin: germline.

GeneDx
Classification: Likely benign. Last evaluated: 2020-11-17. Review status: criteria provided, single submitter. Criteria: GeneDx Variant Classification Process June 2021. Collection method: clinical testing. Allele origin: germline. Affected: yes.
Comment: See Variant Classification Assertion Criteria.

Counsyl
Classification: Uncertain significance for Pendred syndrome. Last evaluated: 2017-12-20. Review status: no assertion criteria provided. Collection method: clinical testing. Allele origin: unknown. Not counted in ClinVar's aggregate classification.

Literature cited by the submitters: PubMed 23185506 (cited by Counsyl).

NM_000441.2(SLC26A4):c.1438-7dup

Gene: SLC26A4 (solute carrier family 26 member 4; plus strand). Cytogenetic location: 7q22.3.
Variant type: Duplication.
Coding change: c.1438-7dup on transcript NM_000441.2 (MANE Select); 7 bases into the intron before coding-DNA position 1438, one base duplicated (T; older notation c.1438-7dupT).
Molecular consequence: intron variant.
Genome position (GRCh38, 1-based): chr7:107,695,926, T duplicated; the last of 7 consecutive T bases (chr7:107,695,920-107,695,926); duplicating any one gives the same sequence. VCF-style (leftmost placement, unchanged base first): chr7-107695919-A-AT. GRCh37 (hg19) VCF-style: chr7-107336364-A-AT.
Other names: c.1438-7dupT (NM_000441.1).
Identifiers: ClinVar variation 555750 (VCV000555750.7), dbSNP rs753586849, ClinGen allele CA4432821.